The following is an entry in ClinVar:

ClinVar aggregate classification (germline): Benign. Review status: criteria provided, multiple submitters, no conflicts (2 of 4 stars). 2 submissions from 2 submitters: Benign (2). Last evaluated 2018-01-12.

Conditions:
Congenital brain dysgenesis due to glutamine synthetase deficiency (GLND). Also called: GLUTAMINE SYNTHASE DEFICIENCY, CONGENITAL SYSTEMIC. Identifiers: Orphanet 71278, MedGen C1864910, MONDO:0012393, OMIM 610015.

Allele frequency attached by ClinVar (database versions not stated): gnomAD exomes 0.81148; gnomAD 0.83866; 1000 Genomes Project 30x 0.85946; TOPMed 0.84869; 1000 Genomes Project 0.85663.

Submissions (2):

Illumina Laboratory Services, Illumina
Classification: Benign for Congenital brain dysgenesis due to glutamine synthetase deficiency. Last evaluated: 2018-01-12. Review status: criteria provided, single submitter. Criteria: ICSL Variant Classification Criteria 13 December 2019. Collection method: clinical testing. Allele origin: germline.
Comment: This variant was observed in the ICSL laboratory as part of a predisposition screen in an ostensibly healthy population. It had not been previously curated by ICSL or reported in the Human Gene Mutation Database (HGMD: prior to June 1st, 2018), and was therefore a candidate for classification through an automated scoring system. Utilizing variant allele frequency, disease prevalence and penetrance estimates, and inheritance mode, an automated score was calculated to assess if this variant is too frequent to cause the disease. Based on the score and internal cut-off values, a variant classified as benign is not then subjected to further curation. The score for this variant resulted in a classification of benign for this disease.

Breakthrough Genomics
Classification: Benign. Review status: criteria provided, single submitter. Criteria: ACMG Guidelines, 2015. Collection method: not provided. Allele origin: germline. Inheritance: Autosomal recessive inheritance. Affected: yes.

NM_002065.5(GLUL):c.-486T>C

Genes: GLUL (glutamate-ammonia ligase; minus strand), LOC129932057 (ATAC-STARR-seq lymphoblastoid silent region 1618; plus strand). Cytogenetic location: 1q25.3.
Variant type: single nucleotide variant.
Coding change: c.-486T>C on transcript NM_002065.5; 486 bases upstream of the start codon, T replaced by C.
Genome position (GRCh38, 1-based): chr1:182,391,795, A>G on the plus strand (T>C on the coding strand, the complement: GLUL is on the minus strand). VCF-style: chr1-182391795-A-G. GRCh37 (hg19) VCF-style: chr1-182360930-A-G.
Identifiers: ClinVar variation 293966 (VCV000293966.8), dbSNP rs912902, ClinGen allele CA10608945.